The following is an entry in ClinVar:

NM_018194.6(HHAT):c.1134G>A (p.Trp378Ter)

Gene: HHAT (hedgehog acyltransferase; plus strand). Cytogenetic location: 1q32.2.
Variant type: single nucleotide variant.
Coding change: c.1134G>A on transcript NM_018194.6 (MANE Select); coding-DNA position 1134, G replaced by A.
Protein change: p.Trp378Ter; replaces tryptophan 378 with a stop codon.
Molecular consequence: nonsense.
Genome position (GRCh38, 1-based): chr1:210,587,988, G>A. VCF-style: chr1-210587988-G-A. GRCh37 (hg19) VCF-style: chr1-210761332-G-A.
Other names: c.1134G>A, p.Trp378Ter (NM_001122834.4, NM_001170580.3); c.723G>A, p.Trp241Ter (NM_001170564.3); c.1137G>A, p.Trp379Ter (NM_001170587.3); c.939G>A, p.Trp313Ter (NM_001170588.3); short protein forms W241*, W313*, W378*, W379*.
Identifiers: ClinVar variation 1074202 (VCV001074202.7), dbSNP rs769492158, ClinGen allele CA344868575.

ClinVar aggregate classification (germline): Pathogenic (1 of 4 stars; one submission).

Submission:

Labcorp Genetics (formerly Invitae), Labcorp
Classification: Pathogenic. Last evaluated: 2020-10-14. Review status: criteria provided, single submitter. Criteria: Invitae Variant Classification Sherloc (09022015). Collection method: clinical testing. Allele origin: germline.
Comment: This sequence change creates a premature translational stop signal (p.Trp378*) in the HHAT gene. It is expected to result in an absent or disrupted protein product. This variant is not present in population databases (ExAC no frequency). This variant has not been reported in the literature in individuals with HHAT-related conditions. Loss-of-function variants in HHAT are known to be pathogenic (PMID: 24784881). For these reasons, this variant has been classified as Pathogenic.

Literature cited by the submitters: PubMed 24784881.